The following is an entry in ClinVar:

ClinVar aggregate classification (germline): Uncertain significance. Review status: criteria provided, multiple submitters, no conflicts (2 of 4 stars). 2 submissions from 2 submitters: Uncertain significance (2). Last evaluated 2025-01-28.

Conditions:
Inborn genetic diseases. Identifiers: MedGen C0950123, MeSH D030342.

Allele frequency attached by ClinVar (database versions not stated): gnomAD exomes below 0.00001.
gnomAD v4.1: 3 of 1,613,992 alleles (0.00019%); highest among the groups gnomAD compares: Middle Eastern, 0.017%; no homozygotes.

Submissions (2):

Ambry Genetics
Classification: Uncertain significance for Inborn genetic diseases. Last evaluated: 2025-01-28. Review status: criteria provided, single submitter. Criteria: Ambry Variant Classification Scheme 2023. Collection method: clinical testing. Allele origin: germline.

Labcorp Genetics (formerly Invitae), Labcorp
Classification: Uncertain significance. Last evaluated: 2022-10-10. Review status: criteria provided, single submitter. Criteria: Invitae Variant Classification Sherloc (09022015). Collection method: clinical testing. Allele origin: germline.
Comment: In summary, the available evidence is currently insufficient to determine the role of this variant in disease. Therefore, it has been classified as a Variant of Uncertain Significance. Advanced modeling of protein sequence and biophysical properties (such as structural, functional, and spatial information, amino acid conservation, physicochemical variation, residue mobility, and thermodynamic stability) performed at Invitae indicates that this missense variant is expected to disrupt SNRNP200 protein function. ClinVar contains an entry for this variant (Variation ID: 1416641). This variant has not been reported in the literature in individuals affected with SNRNP200-related conditions. This variant is not present in population databases (gnomAD no frequency). This sequence change replaces asparagine, which is neutral and polar, with serine, which is neutral and polar, at codon 1329 of the SNRNP200 protein (p.Asn1329Ser).

NM_014014.5(SNRNP200):c.3986A>G (p.Asn1329Ser)

Gene: SNRNP200 (small nuclear ribonucleoprotein U5 subunit 200; minus strand). Cytogenetic location: 2q11.2.
Variant type: single nucleotide variant.
Coding change: c.3986A>G on transcript NM_014014.5 (MANE Select); coding-DNA position 3986, A replaced by G.
Protein change: p.Asn1329Ser; replaces asparagine 1329 with serine.
Molecular consequence: missense variant.
Genome position (GRCh38, 1-based): chr2:96,286,328, T>C on the plus strand (A>G on the coding strand, the complement: SNRNP200 is on the minus strand). VCF-style: chr2-96286328-T-C. GRCh37 (hg19) VCF-style: chr2-96952066-T-C.
Other names: c.3986A>G (NM_014014.4); short protein forms N1329S.
Identifiers: ClinVar variation 1416641 (VCV001416641.9), dbSNP rs866141824, ClinGen allele CA52394112.
Genomic context (GRCh38, chr2:96,286,328, plus strand): 5'-CGGTGACTTCAAAAGCCTCCAGAGGAGGGATGGAAACACTTACCCTGGGTCTGGATGGGA[T>C]TGAAGAAAGGAAATTTATCTTGGTAAAGACTCTCAAAGGCACTGTTTCTCAGAGCAGACA-3'
Protein context (NP_054733.2, residues 1319-1339): SLYQDKFPFF[Asn1329Ser]PIQTQVFNTV